The following is an entry in ClinVar:

NM_030662.4(MAP2K2):c.734C>T (p.Ser245Leu)

Gene: MAP2K2 (mitogen-activated protein kinase kinase 2; minus strand). Cytogenetic location: 19p13.3.
Variant type: single nucleotide variant.
Coding change: c.734C>T on transcript NM_030662.4 (MANE Select); coding-DNA position 734, C replaced by T.
Protein change: p.Ser245Leu; replaces serine 245 with leucine.
Molecular consequence: missense variant.
Genome position (GRCh38, 1-based): chr19:4,099,386, G>A on the plus strand (C>T on the coding strand, the complement: MAP2K2 is on the minus strand). VCF-style: chr19-4099386-G-A. GRCh37 (hg19) VCF-style: chr19-4099384-G-A.
Other names: short protein forms S245L.
Identifiers: ClinVar variation 3369961 (VCV003369961.1).

ClinVar aggregate classification (germline): Uncertain significance (1 of 4 stars; one submission).

Submission:

GeneDx
Classification: Uncertain significance. Last evaluated: 2023-12-21. Review status: criteria provided, single submitter. Criteria: GeneDx Variant Classification Process June 2021. Collection method: clinical testing. Allele origin: germline. Affected: yes.
Comment: Not observed at significant frequency in large population cohorts (gnomAD); Missense variants in this gene are a common cause of disease and they are underrepresented in the general population; In silico analysis supports that this missense variant has a deleterious effect on protein structure/function; Has not been previously published as pathogenic or benign to our knowledge